The following is an entry in ClinVar:

ClinVar aggregate classification (germline): Uncertain significance (1 of 4 stars; one submission).

Conditions:
Ataxia-telangiectasia syndrome (AT). Also called: Cerebello-oculocutaneous telangiectasia; Immunodeficiency with ataxia telangiectasia; Ataxia-telangiectasia, complementation group E; Ataxia-telangiectasia, complementation group D; AT, COMPLEMENTATION GROUP C; ATAXIA-TELANGIECTASIA, COMPLEMENTATION GROUP A. Identifiers: Orphanet 100, MedGen C0004135, MONDO:0008840, OMIM 208900.

Submission:

Labcorp Genetics (formerly Invitae), Labcorp
Classification: Uncertain significance for Ataxia-telangiectasia syndrome. Last evaluated: 2019-10-24. Review status: criteria provided, single submitter. Criteria: Invitae Variant Classification Sherloc (09022015). Collection method: clinical testing. Allele origin: germline.
Comment: In summary, the available evidence is currently insufficient to determine the role of this variant in disease. Therefore, it has been classified as a Variant of Uncertain Significance. Algorithms developed to predict the effect of missense changes on protein structure and function (SIFT, PolyPhen-2, Align-GVGD) all suggest that this variant is likely to be disruptive, but these predictions have not been confirmed by published functional studies and their clinical significance is uncertain. This variant has not been reported in the literature in individuals with ATM-related conditions. ClinVar contains an entry for this variant (Variation ID: 576561). This variant is not present in population databases (ExAC no frequency). This sequence change replaces aspartic acid with glutamic acid at codon 2889 of the ATM protein (p.Asp2889Glu). The aspartic acid residue is highly conserved and there is a small physicochemical difference between aspartic acid and glutamic acid.

NM_000051.4(ATM):c.8667T>G (p.Asp2889Glu)

Genes: ATM (ATM serine/threonine kinase; plus strand), C11orf65 (chromosome 11 open reading frame 65; minus strand). Cytogenetic location: 11q22.3.
Variant type: single nucleotide variant.
Coding change: c.8667T>G on transcript NM_000051.4 (MANE Select); coding-DNA position 8667, T replaced by G.
Protein change: p.Asp2889Glu; replaces aspartic acid 2889 with glutamic acid.
Molecular consequence: missense variant. On other transcripts: intron variant (2).
Genome position (GRCh38, 1-based): chr11:108,347,361, T>G. VCF-style: chr11-108347361-T-G. GRCh37 (hg19) VCF-style: chr11-108218088-T-G.
Other names: c.8667T>G, p.Asp2889Glu (NM_001351834.2); c.641-38290A>C (NM_001330368.2); c.695-12069A>C (NM_001351110.2); short protein forms D2889E.
Identifiers: ClinVar variation 576561 (VCV000576561.11), dbSNP rs1565567506, ClinGen allele CA382521318.
Genomic context (GRCh38, chr11:108,347,361, plus strand): 5'-TGATAGACATGTACAGAATATCTTGATAAATGAGCAGTCAGCAGAACTTGTACATATAGA[T>G]CTAGGTAAGTAATAAAATCTATGTATCTATTCTTTTTAGTAAATATTTGGTCATCATGGA-3'
Protein context (NP_000042.3, residues 2879-2899): NEQSAELVHI[Asp2889Glu]LGVAFEQGKI